The following is an entry in ClinVar:

NM_022064.5(RNF123):c.3513C>G (p.Ala1171=)

Genes: RNF123 (ring finger protein 123; plus strand), GMPPB (GDP-mannose pyrophosphorylase B; minus strand). Cytogenetic location: 3p21.31.
Variant type: single nucleotide variant.
Coding change: c.3513C>G on transcript NM_022064.5 (MANE Select); coding-DNA position 3513, C replaced by G.
Protein change: p.Ala1171=; no amino-acid change (alanine 1171 retained).
Molecular consequence: synonymous variant. On other transcripts: 3 prime UTR variant (1), non-coding transcript variant (1).
Genome position (GRCh38, 1-based): chr3:49,720,523, C>G. VCF-style: chr3-49720523-C-G. GRCh37 (hg19) VCF-style: chr3-49757956-C-G.
Other names: c.*1229G>C (NM_021971.4).
Identifiers: ClinVar variation 3770615 (VCV003770615.13).

ClinVar aggregate classification (germline): Likely benign (1 of 4 stars; one submission).

gnomAD v4.1: 200 of 1,594,880 alleles (0.013%); highest among the groups gnomAD compares: Non-Finnish European, 0.016%; no homozygotes.

Submission:

CeGaT Center for Human Genetics Tuebingen
Classification: Likely benign. Last evaluated: 2026-01-01. Review status: criteria provided, single submitter. Criteria: CeGaT Center For Human Genetics Tuebingen Variant Classification Criteria Version 2. Collection method: clinical testing. Allele origin: germline. Affected: yes. Observed: 2 variant alleles.
Comment: RNF123: BP4, BP7